The following is an entry in ClinVar:

NM_024675.4(PALB2):c.3025C>T (p.Pro1009Ser)

Gene: PALB2 (partner and localizer of BRCA2; minus strand). Cytogenetic location: 16p12.2.
Variant type: single nucleotide variant.
Coding change: c.3025C>T on transcript NM_024675.4 (MANE Select); coding-DNA position 3025, C replaced by T.
Protein change: p.Pro1009Ser; replaces proline 1009 with serine.
Molecular consequence: missense variant.
Genome position (GRCh38, 1-based): chr16:23,621,450, G>A on the plus strand (C>T on the coding strand, the complement: PALB2 is on the minus strand). VCF-style: chr16-23621450-G-A. GRCh37 (hg19) VCF-style: chr16-23632771-G-A.
Other names: short protein forms P1009S.
Identifiers: ClinVar variation 419928 (VCV000419928.28), dbSNP rs764669864, ClinGen allele CA7963445.

ClinVar aggregate classification (germline): Uncertain significance. Review status: criteria provided, multiple submitters, no conflicts (2 of 4 stars). 8 submissions from 8 submitters: Uncertain significance (7). 1 of the submissions does not count toward it. Last evaluated 2025-11-03.

Conditions:
PALB2-related disorder. Also called: PALB2-related disorders; PALB2-related condition.
Familial cancer of breast. Also called: hereditary breast carcinoma; Hereditary breast cancer; BREAST CANCER, FAMILIAL. Identifiers: Orphanet 227535, MedGen C0346153, MONDO:0016419, OMIM 114480. Disease mechanism: loss of function.
Hereditary cancer-predisposing syndrome. Also called: Hereditary neoplastic syndrome; Hereditary Cancer Syndrome; Neoplastic Syndromes, Hereditary; Tumor predisposition. Identifiers: Orphanet 140162, MedGen C0027672, MeSH D009386, MONDO:0015356.
Fanconi anemia complementation group N. Also called: PALB2-Related Fanconi Anemia. Identifiers: Orphanet 84, MedGen C1835817, MONDO:0012565, OMIM 610832. Disease mechanism: loss of function.
Pancreatic cancer, susceptibility to, 3. Identifiers: Orphanet 1333, MedGen C3150547, MONDO:0013236, OMIM 613348.

Allele frequency attached by ClinVar (database versions not stated): gnomAD 0.00001; gnomAD exomes 0.00001 and below 0.00001; TOPMed 0.00001; ExAC 0.00001.
gnomAD v4.1: 22 of 1,613,812 alleles (0.0014%); highest among the groups gnomAD compares: Non-Finnish European, 0.0017%; no homozygotes.

Submissions (8):

Labcorp Genetics (formerly Invitae), Labcorp
Classification: Uncertain significance for Familial cancer of breast. Last evaluated: 2025-11-03. Review status: criteria provided, single submitter. Criteria: Invitae Variant Classification Sherloc (09022015). Collection method: clinical testing. Allele origin: germline.
Comment: This sequence change replaces proline, which is neutral and non-polar, with serine, which is neutral and polar, at codon 1009 of the PALB2 protein (p.Pro1009Ser). This variant is present in population databases (rs764669864, gnomAD 0.0009%). This missense change has been observed in individual(s) with a personal and/or family history of pancreatic cancer (PMID: 25356972). ClinVar contains an entry for this variant (Variation ID: 419928). Invitae Evidence Modeling of protein sequence and biophysical properties (such as structural, functional, and spatial information, amino acid conservation, physicochemical variation, residue mobility, and thermodynamic stability) indicates that this missense variant is expected to disrupt PALB2 protein function with a positive predictive value of 80%. In summary, the available evidence is currently insufficient to determine the role of this variant in disease. Therefore, it has been classified as a Variant of Uncertain Significance.

Ambry Genetics
Classification: Uncertain significance for Hereditary cancer-predisposing syndrome. Last evaluated: 2025-01-23. Review status: criteria provided, single submitter. Criteria: Ambry Variant Classification Scheme 2023. Collection method: clinical testing. Allele origin: germline.
Comment: The p.P1009S variant (also known as c.3025C>T), located in coding exon 10 of the PALB2 gene, results from a C to T substitution at nucleotide position 3025. The proline at codon 1009 is replaced by serine, an amino acid with similar properties. This variant was identified in 1/727 probands with pancreatic adenocarcinoma as well as a family history of pancreatic and/or other types of cancer (Zhen DB et al. Genet. Med. 2015 Jul;17:569-77). This nucleotide position is highly conserved in available vertebrate species. This amino acid position is highly conserved in available vertebrate species. In addition, the in silico prediction for this alteration is inconclusive. Based on the available evidence, the clinical significance of this variant remains unclear.

Color Diagnostics, LLC DBA Color Health
Classification: Uncertain significance for Hereditary cancer-predisposing syndrome. Last evaluated: 2025-01-07. Review status: criteria provided, single submitter. Criteria: ACMG Guidelines, 2015. Collection method: clinical testing. Allele origin: germline.
Comment: This missense variant replaces proline with serine at codon 1009 of the PALB2 protein. Computational prediction suggests that this variant may not impact protein structure and function. To our knowledge, functional studies have not been performed for this variant. This variant has been reported in individuals affected with pancreatic cancer and suspected hereditary breast and ovarian cancer (PMID: 25356972, 28726808, 38136308), and it has been detected in a breast cancer case-control meta-analysis in 0/60466 cases and 1/53461 unaffected individuals (PMID: 33471991; Leiden Open Variation Database DB-ID PALB2_010327). This variant has also been identified in 1/251446 chromosomes in the general population by the Genome Aggregation Database (gnomAD). The available evidence is insufficient to determine the role of this variant in disease conclusively. Therefore, this variant is classified as a Variant of Uncertain Significance.

Baylor Genetics
Classification: Uncertain significance for Familial cancer of breast. Last evaluated: 2023-11-17. Review status: criteria provided, single submitter. Criteria: ACMG Guidelines, 2015. Collection method: clinical testing. Allele origin: unknown.

PreventionGenetics, part of Exact Sciences
Classification: Uncertain significance for PALB2-related condition. Last evaluated: 2023-10-09. Review status: criteria provided, single submitter. Criteria: ACMG Guidelines, 2015. Collection method: clinical testing. Allele origin: germline.
Comment: The PALB2 c.3025C>T variant is predicted to result in the amino acid substitution p.Pro1009Ser. This variant has been reported in an individual with pancreatic cancer (Table 2, Zhen et al. 2015. PubMed ID: 25356972; Table S2, Chaffee et al. 2018. PubMed ID: 28726808). This variant is reported in 1 of ~251,000 alleles in gnomAD. It is interpreted as uncertain significance in Clinvar. At this time, the clinical significance of this variant is uncertain due to the absence of conclusive functional and genetic evidence.

Fulgent Genetics
Classification: Uncertain significance for Familial cancer of breast; Fanconi anemia complementation group N; Pancreatic cancer, susceptibility to, 3. Last evaluated: 2022-03-11. Review status: criteria provided, single submitter. Criteria: ACMG Guidelines, 2015. Collection method: clinical testing. Allele origin: unknown.

GeneDx
Classification: Uncertain significance. Last evaluated: 2022-02-11. Review status: criteria provided, single submitter. Criteria: GeneDx Variant Classification Process June 2021. Collection method: clinical testing. Allele origin: germline. Affected: yes.
Comment: Not observed at significant frequency in large population cohorts (gnomAD); In silico analysis supports that this missense variant has a deleterious effect on protein structure/function; Observed in an individual with a personal and family history of pancreatic cancer in published literature (Zhen 2015); This variant is associated with the following publications: (PMID: 24141787, 24485656, 19609323, 20871615, 25356972)

Leiden Open Variation Database
Classification: Uncertain significance for Pancreatic cancer, susceptibility to, 3. Last evaluated: 2019-05-13. Review status: no assertion criteria provided. Collection method: curation. Allele origin: germline. Affected: yes. Not counted in ClinVar's aggregate classification.
Comment: Curators: Marc Tischkowitz, Arleen D. Auerbach. Submitter to LOVD: Marc Tischkowitz.

Literature cited by the submitters: PubMed 25356972 (cited by 4 submitters); PubMed 28726808 (cited by Ambry Genetics and Color Diagnostics, LLC DBA Color Health); PubMed 30638972 (cited by Ambry Genetics); PubMed 38136308 (cited by Ambry Genetics and Color Diagnostics, LLC DBA Color Health); PubMed 33471991 (cited by Color Diagnostics, LLC DBA Color Health).